The following is an entry in ClinVar:

NM_020975.6(RET):c.3175A>C (p.Asn1059His)

Gene: RET (ret proto-oncogene; plus strand). Cytogenetic location: 10q11.21.
Variant type: single nucleotide variant.
Coding change: c.3175A>C on transcript NM_020975.6 (MANE Select); coding-DNA position 3175, A replaced by C.
Protein change: p.Asn1059His; replaces asparagine 1059 with histidine.
Molecular consequence: missense variant.
Genome position (GRCh38, 1-based): chr10:43,126,710, A>C. VCF-style: chr10-43126710-A-C. GRCh37 (hg19) VCF-style: chr10-43622158-A-C.
Other names: c.3175A>C, p.Asn1059His (NM_000323.2, NM_001406743.1, NM_001406744.1 and 2 more transcripts); c.2413A>C, p.Asn805His (NM_001355216.2); c.3046A>C, p.Asn1016His (NM_001406761.1, NM_001406762.1, NM_001406764.1); c.3040A>C, p.Asn1014His (NM_001406763.1, NM_001406765.1); c.2887A>C, p.Asn963His (NM_001406766.1, NM_001406767.1, NM_001406770.1); c.2911A>C, p.Asn971His (NM_001406768.1); c.2779A>C, p.Asn927His (NM_001406769.1, NM_001406772.1); c.2737A>C, p.Asn913His (NM_001406771.1, NM_001406773.1); and 10 more; short protein forms N1059H, N805H, N1014H, N664H, N720H, N760H, N624H, N971H.
Identifiers: ClinVar variation 1471729 (VCV001471729.10), dbSNP rs1055571837, ClinGen allele CA376558538.

ClinVar aggregate classification (germline): Uncertain significance. Review status: criteria provided, multiple submitters, no conflicts (2 of 4 stars). 2 submissions from 2 submitters: Uncertain significance (2). Last evaluated 2023-08-23.

Conditions:
Multiple endocrine neoplasia, type 2 (MEN2). Identifiers: Orphanet 653, MedGen C4048306, MONDO:0019003. Disease mechanism: gain of function.

Submissions (2):

All of Us Research Program, National Institutes of Health
Classification: Uncertain significance for Multiple endocrine neoplasia, type 2. Last evaluated: 2023-08-23. Review status: criteria provided, single submitter. Criteria: ACMG Guidelines, 2015. Collection method: clinical testing. Allele origin: germline. Inheritance: Autosomal dominant inheritance. Observed: 1 variant allele, 1 heterozygote.
Comment: This missense variant replaces asparagine with histidine at codon 1059 of the RET protein. Computational prediction is inconclusive regarding the impact of this variant on protein structure and function (internally defined REVEL score threshold 0.5 < inconclusive < 0.7, PMID: 27666373). To our knowledge, functional studies have not been reported for this variant. This variant has not been reported in individuals affected with RET-related disorders in the literature. This variant has not been identified in the general population by the Genome Aggregation Database (gnomAD). The available evidence is insufficient to determine the role of this variant in disease conclusively. Therefore, this variant is classified as a Variant of Uncertain Significance.

This study involves interpretation of variants in research participants for the purpose of population health screening. Participant phenotype was not available at the time of variant classification. Additional details can be found in publication PMID: 35346344, PMCID: PMC8962531

Labcorp Genetics (formerly Invitae), Labcorp
Classification: Uncertain significance for Multiple endocrine neoplasia, type 2. Last evaluated: 2022-11-22. Review status: criteria provided, single submitter. Criteria: Invitae Variant Classification Sherloc (09022015). Collection method: clinical testing. Allele origin: germline.
Comment: In summary, the available evidence is currently insufficient to determine the role of this variant in disease. Therefore, it has been classified as a Variant of Uncertain Significance. Algorithms developed to predict the effect of missense changes on protein structure and function are either unavailable or do not agree on the potential impact of this missense change (SIFT: "Tolerated"; PolyPhen-2: "Possibly Damaging"; Align-GVGD: "Class C0"). ClinVar contains an entry for this variant (Variation ID: 1471729). This variant has not been reported in the literature in individuals affected with RET-related conditions. This variant is not present in population databases (gnomAD no frequency). This sequence change replaces asparagine, which is neutral and polar, with histidine, which is basic and polar, at codon 1059 of the RET protein (p.Asn1059His).